The following is an entry in ClinVar:

NM_001127222.2(CACNA1A):c.2317_2319delinsAC (p.Val773fs)

Gene: CACNA1A (calcium voltage-gated channel subunit alpha1 A; minus strand). Cytogenetic location: 19p13.13.
Variant type: Indel.
Coding change: c.2317_2319delinsAC on transcript NM_001127222.2 (MANE Select); coding-DNA positions 2317 to 2319, GTG replaced by AC.
Protein change: p.Val773fs; shifts the reading frame from valine 773.
Molecular consequence: frameshift variant.
Genome position (GRCh38, 1-based): chr19:13,299,314-13,299,316, CAC replaced by GT on the plus strand (GTG replaced by AC on the coding strand, the reverse complement: CACNA1A is on the minus strand). VCF-style: chr19-13299314-CAC-GT. GRCh37 (hg19) VCF-style: chr19-13410128-CAC-GT.
Other names: c.2320_2322delinsAC, p.Val774fs (LRG_7t1, NM_001174080.2); c.2329_2331delinsAC, p.Val777fs (NM_023035.3, NM_000068.4); short protein forms V773fs, V774fs, V777fs.
Identifiers: ClinVar variation 542835 (VCV000542835.1), dbSNP rs1555756461, ClinGen allele CA658799160.

ClinVar aggregate classification (germline): Pathogenic (1 of 4 stars; one submission).

Conditions:
Episodic ataxia type 2 (EA2). Also called: EPISODIC ATAXIA, NYSTAGMUS-ASSOCIATED; ATAXIA, EPISODIC, WITH NYSTAGMUS; ATAXIA, FAMILIAL PAROXYSMAL; CEREBELLAR ATAXIA, PAROXYSMAL, ACETAZOLAMIDE-RESPONSIVE; CEREBELLOPATHY, HEREDITARY PAROXYSMAL; ACETAZOLAMIDE-RESPONSIVE HEREDITARY PAROXYSMAL CEREBELLAR ATAXIA. Identifiers: Orphanet 97, MedGen C1720416, MONDO:0007163, OMIM 108500.
Developmental and epileptic encephalopathy, 42 (DEE42A). Also called: Epileptic encephalopathy, early infantile, 42; DEVELOPMENTAL AND EPILEPTIC ENCEPHALOPATHY 42A; EPILEPTIC ENCEPHALOPATHY, EARLY INFANTILE, 42A. Identifiers: MedGen C4310716, MONDO:0014917, OMIM 617106.

Submission:

Labcorp Genetics (formerly Invitae), Labcorp
Classification: Pathogenic for Epileptic encephalopathy, early infantile, 42; Episodic ataxia type 2. Last evaluated: 2018-01-12. Review status: criteria provided, single submitter. Criteria: Invitae Variant Classification Sherloc (09022015). Collection method: clinical testing. Allele origin: germline.
Comment: This sequence change creates a premature translational stop signal (p.Val774Thrfs*43) in the CACNA1A gene. It is expected to result in an absent or disrupted protein product. This variant is not present in population databases (ExAC no frequency). This variant has not been reported in the literature in individuals with CACNA1A-related disease. Loss-of-function variants in CACNA1A are known to be pathogenic (PMID: 10371528, 19486177, 25735478, 27250579). For these reasons, this variant has been classified as Pathogenic.